The following is an entry in ClinVar:

NM_022356.4(P3H1):c.1762G>A (p.Val588Met)

Gene: P3H1 (prolyl 3-hydroxylase 1; minus strand). Cytogenetic location: 1p34.2.
Variant type: single nucleotide variant.
Coding change: c.1762G>A on transcript NM_022356.4 (MANE Select); coding-DNA position 1762, G replaced by A.
Protein change: p.Val588Met; replaces valine 588 with methionine.
Molecular consequence: missense variant.
Genome position (GRCh38, 1-based): chr1:42,748,276, C>T on the plus strand (G>A on the coding strand, the complement: P3H1 is on the minus strand). VCF-style: chr1-42748276-C-T. GRCh37 (hg19) VCF-style: chr1-43213947-C-T.
Other names: c.1762G>A (NM_022356.3); c.1762G>A, p.Val588Met (NM_001146289.2, NM_001243246.2); short protein forms V588M.
Identifiers: ClinVar variation 1373105 (VCV001373105.5), dbSNP rs763655582, ClinGen allele CA801702.

ClinVar aggregate classification (germline): Uncertain significance. Review status: criteria provided, multiple submitters, no conflicts (2 of 4 stars). 3 submissions from 3 submitters: Uncertain significance (3). Last evaluated 2025-08-09.

Conditions:
Inborn genetic diseases. Identifiers: MedGen C0950123, MeSH D030342.
Osteogenesis imperfecta type 8 (OI8). Identifiers: MedGen C1970458, MONDO:0012581, OMIM 610915.

Allele frequency attached by ClinVar (database versions not stated): gnomAD 0.00001; ExAC 0.00002; gnomAD exomes 0.00004.
gnomAD v4.1: 21 of 1,613,946 alleles (0.0013%); highest among the groups gnomAD compares: Admixed American, 0.0083%; no homozygotes.

Submissions (3):

Ambry Genetics
Classification: Uncertain significance for Inborn genetic diseases. Last evaluated: 2025-08-09. Review status: criteria provided, single submitter. Criteria: Ambry Variant Classification Scheme 2023. Collection method: clinical testing. Allele origin: germline.

GeneDx
Classification: Uncertain significance. Last evaluated: 2024-10-23. Review status: criteria provided, single submitter. Criteria: GeneDx Variant Classification Process June 2021. Collection method: clinical testing. Allele origin: germline. Affected: yes.
Comment: In silico analysis indicates that this missense variant does not alter protein structure/function; Has not been previously published as pathogenic or benign to our knowledge

Labcorp Genetics (formerly Invitae), Labcorp
Classification: Uncertain significance for Osteogenesis imperfecta type 8. Last evaluated: 2022-02-13. Review status: criteria provided, single submitter. Criteria: Invitae Variant Classification Sherloc (09022015). Collection method: clinical testing. Allele origin: germline.
Comment: This sequence change replaces valine, which is neutral and non-polar, with methionine, which is neutral and non-polar, at codon 588 of the P3H1 protein (p.Val588Met). This variant is present in population databases (rs763655582, gnomAD 0.01%). This variant has not been reported in the literature in individuals affected with P3H1-related conditions. Algorithms developed to predict the effect of missense changes on protein structure and function are either unavailable or do not agree on the potential impact of this missense change (SIFT: "Deleterious"; PolyPhen-2: "Possibly Damaging"; Align-GVGD: "Class C0"). In summary, the available evidence is currently insufficient to determine the role of this variant in disease. Therefore, it has been classified as a Variant of Uncertain Significance.